The following is an entry in ClinVar:

ClinVar aggregate classification (germline): Uncertain significance. Review status: criteria provided, multiple submitters, no conflicts (2 of 4 stars). 2 submissions from 2 submitters: Uncertain significance (2). Last evaluated 2026-01-02.

Conditions:
Hereditary cancer-predisposing syndrome. Also called: Tumor predisposition; Neoplastic Syndromes, Hereditary; Hereditary Cancer Syndrome; Hereditary neoplastic syndrome. Identifiers: Orphanet 140162, MedGen C0027672, MeSH D009386, MONDO:0015356.
Tumor predisposition syndrome 3 (TPDS3). Also called: Melanoma, cutaneous malignant, susceptibility to, 10; Glioma susceptibility 9; LONG TELOMERE SYNDROME, POT1-RELATED; POT1 Tumor Predisposition. Identifiers: Orphanet 618, MedGen C4014476, MONDO:0014368, OMIM 615848.

Submissions (2):

Labcorp Genetics (formerly Invitae), Labcorp
Classification: Uncertain significance for Tumor predisposition syndrome 3. Last evaluated: 2026-01-02. Review status: criteria provided, single submitter. Criteria: Invitae Variant Classification Sherloc (09022015). Collection method: clinical testing. Allele origin: germline.
Comment: This sequence change replaces histidine, which is basic and polar, with arginine, which is basic and polar, at codon 228 of the POT1 protein (p.His228Arg). This variant is not present in population databases (gnomAD no frequency). This variant has not been reported in the literature in individuals affected with POT1-related conditions. ClinVar contains an entry for this variant (Variation ID: 664310). Invitae Evidence Modeling of protein sequence and biophysical properties (such as structural, functional, and spatial information, amino acid conservation, physicochemical variation, residue mobility, and thermodynamic stability) indicates that this missense variant is not expected to disrupt POT1 protein function with a negative predictive value of 80%. In summary, the available evidence is currently insufficient to determine the role of this variant in disease. Therefore, it has been classified as a Variant of Uncertain Significance.

Ambry Genetics
Classification: Uncertain significance for Hereditary cancer-predisposing syndrome. Last evaluated: 2024-02-28. Review status: criteria provided, single submitter. Criteria: Ambry Variant Classification Scheme 2023. Collection method: clinical testing. Allele origin: germline.
Comment: The p.H228R variant (also known as c.683A>G), located in coding exon 5 of the POT1 gene, results from an A to G substitution at nucleotide position 683. The histidine at codon 228 is replaced by arginine, an amino acid with highly similar properties. This amino acid position is conserved. In addition, this alteration is predicted to be tolerated by in silico analysis. Based on the available evidence, the clinical significance of this alteration remains unclear.

NM_015450.3(POT1):c.683A>G (p.His228Arg)

Gene: POT1 (protection of telomeres 1; minus strand). Cytogenetic location: 7q31.33.
Variant type: single nucleotide variant.
Coding change: c.683A>G on transcript NM_015450.3 (MANE Select); coding-DNA position 683, A replaced by G.
Protein change: p.His228Arg; replaces histidine 228 with arginine.
Molecular consequence: missense variant. On other transcripts: non-coding transcript variant (3).
Genome position (GRCh38, 1-based): chr7:124,858,976, T>C on the plus strand (A>G on the coding strand, the complement: POT1 is on the minus strand). VCF-style: chr7-124858976-T-C. GRCh37 (hg19) VCF-style: chr7-124499030-T-C.
Other names: c.290A>G, p.His97Arg (NM_001042594.2); short protein forms H228R, H97R.
Identifiers: ClinVar variation 664310 (VCV000664310.8), dbSNP rs1584769814, ClinGen allele CA369056053.
Genomic context (GRCh38, chr7:124,858,976, plus strand): 5'-TATAAAAACATAAAATAACATTTTTTCCTACTATACATCACCTTCAGAGATCTTGCCACA[T>C]GAACATGGTTATCGTAGACTAAAATGTCTATTGTCAGATTTTGTAGCCGATGGATGTGAC-3'
Protein context (NP_056265.2, residues 218-238): IDILVYDNHV[His228Arg]VARSLKVGSF